The following is an entry in ClinVar:

ClinVar aggregate classification (germline): Likely pathogenic (0 of 4 stars; one submission).

Conditions:
DONSON-related disorder. Also called: DONSON-related condition.

gnomAD v4.1: 25 of 1,591,232 alleles (0.0016%); highest among the groups gnomAD compares: Non-Finnish European, 0.0021%; no homozygotes.

Submissions (2):

PreventionGenetics, part of Exact Sciences
Classification: Likely pathogenic for DONSON-related condition. Last evaluated: 2024-01-05. Review status: no assertion criteria provided. Collection method: clinical testing. Allele origin: germline.
Comment: The DONSON c.1563+1G>A variant is predicted to disrupt the GT donor site and interfere with normal splicing. To our knowledge, this variant has not been reported in the literature. This variant is reported in 0.0027% of alleles in individuals of European (Non-Finnish) descent in gnomAD. Variants that disrupt the consensus splice donor site in DONSON are expected to be pathogenic. This variant is interpreted as likely pathogenic.

Dr. Peter K. Rogan Lab, Western University
No classification provided (evidence only). Condition: Ovarian serous cystadenocarcinoma. Review status: no classification provided. Collection method: in vitro. Allele origin: not applicable. Functional consequence: skipped exon, retained intron. Not counted in ClinVar's aggregate classification.

NM_017613.4(DONSON):c.1563+1G>A

Gene: DONSON (DNA replication fork stabilization factor DONSON; minus strand). Cytogenetic location: 21q22.11.
Variant type: single nucleotide variant.
Coding change: c.1563+1G>A on transcript NM_017613.4 (MANE Select); the canonical splice donor site of the intron after coding-DNA position 1563, G replaced by A.
Molecular consequence: splice donor variant.
Genome position (GRCh38, 1-based): chr21:33,579,349, C>T on the plus strand (G>A on the coding strand, the complement: DONSON is on the minus strand). VCF-style: chr21-33579349-C-T. GRCh37 (hg19) VCF-style: chr21-34951655-C-T.
Other names: NC_000021.8:g.34951655C>T.
Identifiers: ClinVar variation 3031745 (VCV003031745.3), dbSNP rs534299298, ClinGen allele CA10010287.